The following is an entry in ClinVar:

NM_001165963.4(SCN1A):c.1895T>A (p.Leu632Gln)

Gene: SCN1A (sodium voltage-gated channel alpha subunit 1; minus strand). Cytogenetic location: 2q24.3.
Variant type: single nucleotide variant.
Coding change: c.1895T>A on transcript NM_001165963.4 (MANE Select); coding-DNA position 1895, T replaced by A.
Protein change: p.Leu632Gln; replaces leucine 632 with glutamine.
Molecular consequence: missense variant. On other transcripts: 5 prime UTR variant (1), non-coding transcript variant (1).
Genome position (GRCh38, 1-based): chr2:166,043,817, A>T on the plus strand (T>A on the coding strand, the complement: SCN1A is on the minus strand). VCF-style: chr2-166043817-A-T. GRCh37 (hg19) VCF-style: chr2-166900327-A-T.
Other names: c.1895T>A, p.Leu632Gln (NM_001165964.3, NM_001202435.3, NM_001353948.2 and 7 more transcripts); c.1892T>A, p.Leu631Gln (NM_001353954.2, NM_001353955.2, NM_001353960.2); c.-531T>A (NM_001353961.2); short protein forms L631Q, L632Q.
Identifiers: ClinVar variation 1301469 (VCV001301469.9), dbSNP rs201987598, ClinGen allele CA1943232.

ClinVar aggregate classification (germline): Likely benign. Review status: criteria provided, multiple submitters, no conflicts (2 of 4 stars). 3 submissions from 3 submitters: Likely benign (3). Last evaluated 2025-12-09.

Conditions:
Early-infantile DEE. Also called: Early infantile epileptic encephalopathy; Ohtahara syndrome; Early infantile epileptic encephalopathy with suppression bursts. Identifiers: Orphanet 1934, MedGen C0393706, MONDO:0800491.
Inborn genetic diseases. Identifiers: MedGen C0950123, MeSH D030342.

Allele frequency attached by ClinVar (database versions not stated): gnomAD 0.00001 and 0.00003; TOPMed 0.00001; ExAC 0.00002; gnomAD exomes 0.00002; 1000 Genomes Project 30x 0.00047; 1000 Genomes Project 0.00060.
gnomAD v4.1: 13 of 1,614,214 alleles (0.00081%); highest among the groups gnomAD compares: Admixed American, 0.022%; no homozygotes.

Submissions (3):

Ambry Genetics
Classification: Likely benign for Inborn genetic diseases. Last evaluated: 2025-12-09. Review status: criteria provided, single submitter. Criteria: Ambry Variant Classification Scheme 2023. Collection method: clinical testing. Allele origin: germline.

Labcorp Genetics (formerly Invitae), Labcorp
Classification: Likely benign for Early-infantile DEE. Last evaluated: 2025-10-16. Review status: criteria provided, single submitter. Criteria: Invitae Variant Classification Sherloc (09022015). Collection method: clinical testing. Allele origin: germline.

GeneDx
Classification: Likely benign. Last evaluated: 2023-02-06. Review status: criteria provided, single submitter. Criteria: GeneDx Variant Classification Process June 2021. Collection method: clinical testing. Allele origin: germline. Affected: yes.
Comment: See Variant Classification Assertion Criteria.